The following is an entry in ClinVar:

NM_032776.3(JMJD1C):c.946G>T (p.Gly316Cys)

Gene: JMJD1C (jumonji domain containing 1C; minus strand). Cytogenetic location: 10q21.3.
Variant type: single nucleotide variant.
Coding change: c.946G>T on transcript NM_032776.3 (MANE Select); coding-DNA position 946, G replaced by T.
Protein change: p.Gly316Cys; replaces glycine 316 with cysteine.
Molecular consequence: missense variant. On other transcripts: non-coding transcript variant (1).
Genome position (GRCh38, 1-based): chr10:63,215,332, C>A on the plus strand (G>T on the coding strand, the complement: JMJD1C is on the minus strand). VCF-style: chr10-63215332-C-A. GRCh37 (hg19) VCF-style: chr10-64975092-C-A.
Other names: c.400G>T, p.Gly134Cys (NM_001282948.2, NM_001318154.2); c.82G>T, p.Gly28Cys (NM_001318153.2); c.832G>T, p.Gly278Cys (NM_001322252.2); c.289G>T, p.Gly97Cys (NM_001322254.2, NM_001322258.2); short protein forms G28C, G97C, G134C, G316C, G278C.
Identifiers: ClinVar variation 2126965 (VCV002126965.4), dbSNP rs2492797495, ClinGen allele CA377051142.

ClinVar aggregate classification (germline): Uncertain significance (1 of 4 stars; one submission).

Conditions:
Early Myoclonic Encephalopathy. Identifiers: MedGen C0270855.

Submission:

Labcorp Genetics (formerly Invitae), Labcorp
Classification: Uncertain significance for Early Myoclonic Encephalopathy. Last evaluated: 2024-12-30. Review status: criteria provided, single submitter. Criteria: Invitae Variant Classification Sherloc (09022015). Collection method: clinical testing. Allele origin: germline.
Comment: This sequence change replaces glycine, which is neutral and non-polar, with cysteine, which is neutral and slightly polar, at codon 316 of the JMJD1C protein (p.Gly316Cys). This variant is not present in population databases (gnomAD no frequency). This variant has not been reported in the literature in individuals affected with JMJD1C-related conditions. ClinVar contains an entry for this variant (Variation ID: 2126965). An algorithm developed to predict the effect of missense changes on protein structure and function (PolyPhen-2) suggests that this variant is likely to be disruptive. In summary, the available evidence is currently insufficient to determine the role of this variant in disease. Therefore, it has been classified as a Variant of Uncertain Significance.